The following is an entry in ClinVar:

ClinVar aggregate classification (germline): Likely benign. Review status: criteria provided, multiple submitters, no conflicts (2 of 4 stars). 3 submissions from 3 submitters: Likely benign (2). 1 of the submissions does not count toward it. Last evaluated 2025-12-03.

Conditions:
KIF11-related disorder. Also called: KIF11-related condition.

Allele frequency attached by ClinVar (database versions not stated): ExAC 0.00001; gnomAD exomes 0.00002; TOPMed 0.00002.
gnomAD v4.1: 20 of 1,600,048 alleles (0.0012%); highest among the groups gnomAD compares: Non-Finnish European, 0.0017%; no homozygotes.

Submissions (3):

Labcorp Genetics (formerly Invitae), Labcorp
Classification: Likely benign. Last evaluated: 2025-12-03. Review status: criteria provided, single submitter. Criteria: Invitae Variant Classification Sherloc (09022015). Collection method: clinical testing. Allele origin: germline.

Blueprint Genetics
Classification: Likely benign. Last evaluated: 2022-11-22. Review status: criteria provided, single submitter. Criteria: ACMG Guidelines, 2015. Collection method: clinical testing. Allele origin: germline.

PreventionGenetics, part of Exact Sciences
Classification: Likely benign for KIF11-related condition. Last evaluated: 2019-09-11. Review status: no assertion criteria provided. Collection method: clinical testing. Allele origin: germline. Not counted in ClinVar's aggregate classification.
Comment: This variant is classified as likely benign based on ACMG/AMP sequence variant interpretation guidelines (Richards et al. 2015 PMID: 25741868, with internal and published modifications).

NM_004523.4(KIF11):c.1032+7C>T

Gene: KIF11 (kinesin family member 11; plus strand). Cytogenetic location: 10q23.33.
Variant type: single nucleotide variant.
Coding change: c.1032+7C>T on transcript NM_004523.4 (MANE Select); 7 bases into the intron after coding-DNA position 1032, C replaced by T.
Molecular consequence: intron variant.
Genome position (GRCh38, 1-based): chr10:92,613,626, C>T. VCF-style: chr10-92613626-C-T. GRCh37 (hg19) VCF-style: chr10-94373383-C-T.
Other names: c.1032+7C>T (NM_004523.3).
Identifiers: ClinVar variation 1110733 (VCV001110733.12), dbSNP rs762597698, ClinGen allele CA5604094.
Genomic context (GRCh38, chr10:92,613,626, plus strand): 5'-CGTACAAGAACATCTATAATTGCAACAATTTCTCCTGCATCTCTCAATCTTGAGGTAAGC[C>T]CTTTGAAAGGAAGCTGCAAGTGTAGTAGCTGTAATTCTTATTTGGCTATTATATATTTTA-3'